The following is an entry in ClinVar:

ClinVar aggregate classification (germline): Uncertain significance (0 of 4 stars; one submission).

Conditions:
COL4A6-related disorder. Also called: COL4A6-related condition.

gnomAD v4.1: 2 of 1,205,653 alleles (0.00017%); highest among the groups gnomAD compares: Non-Finnish European, 0.00022%; no homozygotes.

Submission:

PreventionGenetics, part of Exact Sciences
Classification: Uncertain significance for COL4A6-related condition. Last evaluated: 2024-07-26. Review status: no assertion criteria provided. Collection method: clinical testing. Allele origin: germline.
Comment: The COL4A6 c.1069A>G variant is predicted to result in the amino acid substitution p.Ile357Val. To our knowledge, this variant has not been reported in the literature. This variant is reported in 0.0012% of alleles in individuals of European (Non-Finnish) descent in gnomAD. At this time, the clinical significance of this variant is uncertain due to the absence of conclusive functional and genetic evidence.

NM_033641.4(COL4A6):c.1066A>G (p.Ile356Val)

Gene: COL4A6 (collagen type IV alpha 6 chain; minus strand). Cytogenetic location: Xq22.3.
Variant type: single nucleotide variant.
Coding change: c.1066A>G on transcript NM_033641.4 (MANE Select); coding-DNA position 1066, A replaced by G.
Protein change: p.Ile356Val; replaces isoleucine 356 with valine.
Molecular consequence: missense variant.
Genome position (GRCh38, 1-based): chrX:108,193,634, T>C on the plus strand (A>G on the coding strand, the complement: COL4A6 is on the minus strand). VCF-style: chrX-108193634-T-C. GRCh37 (hg19) VCF-style: chrX-107436864-T-C.
Other names: c.1066A>G, p.Ile356Val (NM_001287758.2, NM_001287759.2, NM_001287760.2); c.1069A>G, p.Ile357Val (NM_001847.4); short protein forms I356V, I357V.
Identifiers: ClinVar variation 3354810 (VCV003354810.1).